The following is an entry in ClinVar:

ClinVar aggregate classification (germline): Conflicting classifications of pathogenicity. Review status: criteria provided, conflicting classifications (1 of 4 stars). 3 submissions from 3 submitters: Uncertain significance (1); Likely benign (2). Last evaluated 2022-05-24.

Conditions:
Benign neonatal seizures. Also called: Convulsions benign familial neonatal dominant form; Autosomal dominant form of benign neonatal seizures; Benign familial neonatal seizures; Benign neonatal familial convulsions; Benign familial neonatal epilepsy. Identifiers: Orphanet 1949, MedGen C0220669, MONDO:0016027.

Allele frequency attached by ClinVar (database versions not stated): gnomAD exomes below 0.00001 and 0.00001; TOPMed below 0.00001; gnomAD 0.00001 and 0.00002; ExAC 0.00002; 1000 Genomes Project 30x 0.00016; 1000 Genomes Project 0.00020.
gnomAD v4.1: 10 of 1,614,138 alleles (0.00062%); highest among the groups gnomAD compares: Middle Eastern, 0.033%; no homozygotes.

Submissions (3):

Labcorp Genetics (formerly Invitae), Labcorp
Classification: Likely benign for Benign neonatal seizures. Last evaluated: 2022-05-24. Review status: criteria provided, single submitter. Criteria: Invitae Variant Classification Sherloc (09022015). Collection method: clinical testing. Allele origin: germline.

GeneDx
Classification: Likely benign. Last evaluated: 2017-04-14. Review status: criteria provided, single submitter. Criteria: GeneDx Variant Classification (06012015). Collection method: clinical testing. Allele origin: germline. Affected: yes.
Comment: This variant is considered likely benign or benign based on one or more of the following criteria: it is a conservative change, it occurs at a poorly conserved position in the protein, it is predicted to be benign by multiple in silico algorithms, and/or has population frequency not consistent with disease.

Eurofins Ntd Llc (ga)
Classification: Uncertain significance. Last evaluated: 2016-11-03. Review status: criteria provided, single submitter. Criteria: EGL Classification Definitions 2015. Collection method: clinical testing. Allele origin: germline. Observed: 1 variant allele, 1 heterozygote.

NM_004519.4(KCNQ3):c.604+10G>T

Gene: KCNQ3 (potassium voltage-gated channel subfamily Q member 3; minus strand). Cytogenetic location: 8q24.22.
Variant type: single nucleotide variant.
Coding change: c.604+10G>T on transcript NM_004519.4 (MANE Select); 10 bases into the intron after coding-DNA position 604, G replaced by T.
Molecular consequence: intron variant.
Genome position (GRCh38, 1-based): chr8:132,184,231, C>A on the plus strand (G>T on the coding strand, the complement: KCNQ3 is on the minus strand). VCF-style: chr8-132184231-C-A. GRCh37 (hg19) VCF-style: chr8-133196478-C-A.
Other names: c.244+10G>T (NM_001204824.2).
Identifiers: ClinVar variation 497989 (VCV000497989.13), dbSNP rs541587196, ClinGen allele CA4880889.